The following is an entry in ClinVar:

ClinVar aggregate classification (germline): Uncertain significance. Review status: criteria provided, multiple submitters, no conflicts (2 of 4 stars). 2 submissions from 2 submitters: Uncertain significance (2). Last evaluated 2026-09-09.

Conditions:
Generalized epilepsy-paroxysmal dyskinesia syndrome (PNKD3). Also called: Generalized epilepsy and paroxysmal dyskinesia; Paroxysmal nonkinesigenic dyskinesia, 3, with or without generalized epilepsy. Identifiers: Orphanet 79137, MedGen C5574945, MONDO:0012276, OMIM 609446.

Allele frequency attached by ClinVar (database versions not stated): gnomAD exomes below 0.00001; ExAC 0.00001.
gnomAD v4.1: 1 of 1,614,062 alleles (0.000062%); highest among the groups gnomAD compares: Non-Finnish European, 0.000085%; no homozygotes.

Submissions (2):

GeneDx
Classification: Uncertain significance. Last evaluated: 2026-09-09. Review status: criteria provided, single submitter. Criteria: GeneDx Variant Classification Process June 2021. Collection method: clinical testing. Allele origin: germline.
Comment: Not observed at significant frequency in large population cohorts (gnomAD); In silico analysis supports that this missense variant has a deleterious effect on protein structure/function; Has not been previously published as pathogenic or benign to our knowledge

Labcorp Genetics (formerly Invitae), Labcorp
Classification: Uncertain significance for Generalized epilepsy-paroxysmal dyskinesia syndrome. Last evaluated: 2024-02-24. Review status: criteria provided, single submitter. Criteria: Invitae Variant Classification Sherloc (09022015). Collection method: clinical testing. Allele origin: germline.
Comment: This sequence change replaces isoleucine, which is neutral and non-polar, with threonine, which is neutral and polar, at codon 769 of the KCNMA1 protein (p.Ile769Thr). This variant is present in population databases (rs764237865, gnomAD 0.0009%). This variant has not been reported in the literature in individuals affected with KCNMA1-related conditions. ClinVar contains an entry for this variant (Variation ID: 2046447). Advanced modeling of protein sequence and biophysical properties (such as structural, functional, and spatial information, amino acid conservation, physicochemical variation, residue mobility, and thermodynamic stability) performed at Invitae indicates that this missense variant is not expected to disrupt KCNMA1 protein function with a negative predictive value of 80%. In summary, the available evidence is currently insufficient to determine the role of this variant in disease. Therefore, it has been classified as a Variant of Uncertain Significance.

NM_001161352.2(KCNMA1):c.2480T>C (p.Ile827Thr)

Genes: KCNMA1 (potassium calcium-activated channel subfamily M alpha 1; minus strand), KCNMA1-AS1 (KCNMA1 antisense RNA 1; plus strand). Cytogenetic location: 10q22.3.
Variant type: single nucleotide variant.
Coding change: c.2480T>C on transcript NM_001161352.2 (MANE Select); coding-DNA position 2480, T replaced by C.
Protein change: p.Ile827Thr; replaces isoleucine 827 with threonine.
Molecular consequence: missense variant.
Genome position (GRCh38, 1-based): chr10:76,953,805, A>G on the plus strand (T>C on the coding strand, the complement: KCNMA1 is on the minus strand). VCF-style: chr10-76953805-A-G. GRCh37 (hg19) VCF-style: chr10-78713563-A-G.
Other names: c.2318T>C, p.Ile773Thr (NM_001014797.3, NM_001322835.2, NM_001322837.2); c.2306T>C, p.Ile769Thr (NM_001161353.2, NM_001322832.2, NM_001410940.1 and 1 more transcripts); c.2156T>C, p.Ile719Thr (NM_001271518.2); c.2315T>C, p.Ile772Thr (NM_001271519.2, NM_001322829.2, NM_001322836.2); c.2327T>C, p.Ile776Thr (NM_001322830.2); c.1853T>C, p.Ile618Thr (NM_001322838.2); c.2306T>C (NM_002247.3); short protein forms I776T, I827T, I719T, I773T, I618T, I769T, I772T.
Identifiers: ClinVar variation 2046447 (VCV002046447.6), dbSNP rs764237865, ClinGen allele CA5568083.